The following is an entry in ClinVar:

ClinVar aggregate classification (germline): Uncertain significance. Review status: criteria provided, multiple submitters, no conflicts (2 of 4 stars). 3 submissions from 3 submitters: Uncertain significance (3). Last evaluated 2021-07-12.

Conditions:
Inborn genetic diseases. Identifiers: MedGen C0950123, MeSH D030342.
Intellectual developmental disorder, autosomal recessive 3. Also called: Intellectual disability, autosomal recessive 3. Identifiers: Orphanet 88616, MedGen C1838023, MONDO:0012037, OMIM 608443.

Allele frequency attached by ClinVar (database versions not stated): ESP Exome Variant Server 0.00008; TOPMed 0.00014; gnomAD exomes 0.00017 and 0.00031; gnomAD 0.00030 and 0.00032; 1000 Genomes Project 30x 0.00031; 1000 Genomes Project 0.00040; ExAC 0.00042.
gnomAD v4.1: 240 of 1,294,950 alleles (0.019%); highest among the groups gnomAD compares: Middle Eastern, 0.23%; 3 homozygotes.

Submissions (3):

Fulgent Genetics
Classification: Uncertain significance for Intellectual developmental disorder, autosomal recessive 3. Last evaluated: 2021-07-12. Review status: criteria provided, single submitter. Criteria: ACMG Guidelines, 2015. Collection method: clinical testing. Allele origin: unknown.

Ambry Genetics
Classification: Uncertain significance for Inborn genetic diseases. Last evaluated: 2017-09-21. Review status: criteria provided, single submitter. Criteria: Ambry Variant Classification Scheme 2023. Collection method: clinical testing. Allele origin: germline.
Comment: The p.R903W variant (also known as c.2707C>T), located in coding exon 26 of the CC2D1A gene, results from a C to T substitution at nucleotide position 2707. The arginine at codon 903 is replaced by tryptophan, an amino acid with dissimilar properties. This amino acid position is well conserved in available vertebrate species. In addition, this alteration is predicted to be tolerated by in silico analysis. Since supporting evidence is limited at this time, the clinical significance of this alteration remains unclear.

Genetic Services Laboratory, University of Chicago
Classification: Uncertain significance. Last evaluated: 2014-03-24. Review status: criteria provided, single submitter. Criteria: ACMG Guidelines, 2007. Collection method: clinical testing. Allele origin: germline. Inheritance: Autosomal recessive inheritance.

NM_017721.5(CC2D1A):c.2707C>T (p.Arg903Trp)

Gene: CC2D1A (coiled-coil and C2 domain containing 1A; plus strand). Cytogenetic location: 19p13.12.
Variant type: single nucleotide variant.
Coding change: c.2707C>T on transcript NM_017721.5 (MANE Select); coding-DNA position 2707, C replaced by T.
Protein change: p.Arg903Trp; replaces arginine 903 with tryptophan.
Molecular consequence: missense variant.
Genome position (GRCh38, 1-based): chr19:13,929,657, C>T. VCF-style: chr19-13929657-C-T. GRCh37 (hg19) VCF-style: chr19-14040470-C-T.
Other names: short protein forms R903W.
Identifiers: ClinVar variation 128621 (VCV000128621.9), dbSNP rs376443152, ClinGen allele CA230960.